The following is an entry in ClinVar:

NM_000784.4(CYP27A1):c.256-3C>T

Gene: CYP27A1 (cytochrome P450 family 27 subfamily A member 1; plus strand). Cytogenetic location: 2q35.
Variant type: single nucleotide variant.
Coding change: c.256-3C>T on transcript NM_000784.4 (MANE Select); 3 bases into the intron before coding-DNA position 256, C replaced by T.
Molecular consequence: intron variant.
Genome position (GRCh38, 1-based): chr2:218,809,574, C>T. VCF-style: chr2-218809574-C-T. GRCh37 (hg19) VCF-style: chr2-219674297-C-T.
Other names: c.256-3C>T (NM_000784.3).
Identifiers: ClinVar variation 597075 (VCV000597075.9), dbSNP rs1559391389, ClinGen allele CA913189827.
Genomic context (GRCh38, chr2:218,809,574, plus strand): 5'-CTCCTGTCCTGGGAGCACCTGCCCAGCTTGGCCCAGTTATTCAGTTTTGATTGAACTCCA[C>T]AGGTGCTTTACAAGGCCAAGTACGGTCCAATGTGGATGTCCTACTTAGGGCCTCAGATGC-3'

ClinVar aggregate classification (germline): Uncertain significance. Review status: criteria provided, multiple submitters, no conflicts (2 of 4 stars). 3 submissions from 3 submitters: Uncertain significance (2). 1 of the submissions does not count toward it. Last evaluated 2022-09-01.

Conditions:
Cholestanol storage disease (CTX). Also called: Cerebrotendinous Xanthomatosis; CTX: Cerebrotendinous xanthomatosis; CEREBRAL CHOLESTERINOSIS. Identifiers: Orphanet 909, MedGen C0238052, MONDO:0008948, OMIM 213700.
CYP27A1-related disorder. Also called: CYP27A1-related condition.

Allele frequency attached by ClinVar (database versions not stated): TOPMed below 0.00001; gnomAD 0.00001; gnomAD exomes 0.00002.
gnomAD v4.1: 11 of 1,605,226 alleles (0.00069%); highest among the groups gnomAD compares: Middle Eastern, 0.017%; no homozygotes.

Submissions (3):

Labcorp Genetics (formerly Invitae), Labcorp
Classification: Uncertain significance for Cholestanol storage disease. Last evaluated: 2022-09-01. Review status: criteria provided, single submitter. Criteria: Invitae Variant Classification Sherloc (09022015). Collection method: clinical testing. Allele origin: germline.
Comment: This sequence change falls in intron 1 of the CYP27A1 gene. It does not directly change the encoded amino acid sequence of the CYP27A1 protein. It affects a nucleotide within the consensus splice site. This variant is not present in population databases (gnomAD no frequency). This variant has not been reported in the literature in individuals affected with CYP27A1-related conditions. ClinVar contains an entry for this variant (Variation ID: 597075). Variants that disrupt the consensus splice site are a relatively common cause of aberrant splicing (PMID: 17576681, 9536098). Algorithms developed to predict the effect of sequence changes on RNA splicing suggest that this variant may create or strengthen a splice site. In summary, the available evidence is currently insufficient to determine the role of this variant in disease. Therefore, it has been classified as a Variant of Uncertain Significance.

Eurofins Ntd Llc (ga)
Classification: Uncertain significance. Last evaluated: 2018-05-01. Review status: criteria provided, single submitter. Criteria: EGL ClinVar v180209 classification definitions. Collection method: clinical testing. Allele origin: germline. Observed: 1 variant allele, 1 heterozygote.

PreventionGenetics, part of Exact Sciences
Classification: Likely benign for CYP27A1-related condition. Last evaluated: 2022-12-08. Review status: no assertion criteria provided. Collection method: clinical testing. Allele origin: germline. Not counted in ClinVar's aggregate classification.
Comment: This variant is classified as likely benign based on ACMG/AMP sequence variant interpretation guidelines (Richards et al. 2015 PMID: 25741868, with internal and published modifications).

Literature cited by the submitters: PubMed 17576681 (cited by Labcorp Genetics (formerly Invitae), Labcorp); PubMed 9536098 (cited by Labcorp Genetics (formerly Invitae), Labcorp).